The following is an entry in ClinVar:

ClinVar aggregate classification (germline): Likely benign (0 of 4 stars; one submission).

Conditions:
PIEZO1-related disorder. Also called: PIEZO1-Related Disorders; PIEZO1-related condition.

Allele frequency attached by ClinVar (database versions not stated): TOPMed below 0.00001; gnomAD exomes 0.00002; gnomAD 0.00004; ExAC 0.00021; 1000 Genomes Project 30x 0.00047; 1000 Genomes Project 0.00060.
gnomAD v4.1: 32 of 1,549,584 alleles (0.0021%); highest among the groups gnomAD compares: South Asian, 0.025%; no homozygotes.

Submission:

PreventionGenetics, part of Exact Sciences
Classification: Likely benign for PIEZO1-related condition. Last evaluated: 2021-03-26. Review status: no assertion criteria provided. Collection method: clinical testing. Allele origin: germline.
Comment: This variant is classified as likely benign based on ACMG/AMP sequence variant interpretation guidelines (Richards et al. 2015 PMID: 25741868, with internal and published modifications).

NM_001142864.4(PIEZO1):c.5388C>T (p.His1796=)

Gene: PIEZO1 (piezo type mechanosensitive ion channel component 1 (Er blood group); minus strand). Cytogenetic location: 16q24.3.
Variant type: single nucleotide variant.
Coding change: c.5388C>T on transcript NM_001142864.4 (MANE Select); coding-DNA position 5388, C replaced by T.
Protein change: p.His1796=; no amino-acid change (histidine 1796 retained).
Molecular consequence: synonymous variant.
Genome position (GRCh38, 1-based): chr16:88,721,553, G>A on the plus strand (C>T on the coding strand, the complement: PIEZO1 is on the minus strand). VCF-style: chr16-88721553-G-A. GRCh37 (hg19) VCF-style: chr16-88787961-G-A.
Other names: c.3930C>T, p.His1310= (NM_014745.1).
Identifiers: ClinVar variation 3032759 (VCV003032759.2), dbSNP rs371611772, ClinGen allele CA8231901.